The following is an entry in ClinVar:

ClinVar aggregate classification (germline): Uncertain significance. Review status: criteria provided, multiple submitters, no conflicts (2 of 4 stars). 3 submissions from 3 submitters: Uncertain significance (2). 1 of the submissions does not count toward it. Last evaluated 2025-07-15.

Conditions:
alpha Thalassemia. Also called: Alpha thalassemia spectrum. Identifiers: Orphanet 846, MedGen C0002312, MONDO:0011399, OMIM 604131.

Submissions (3):

ARUP Laboratories, Molecular Genetics and Genomics, ARUP Laboratories
Classification: Uncertain significance. Last evaluated: 2025-07-15. Review status: criteria provided, single submitter. Criteria: ARUP Molecular Germline Variant Investigation Process 2024. Collection method: clinical testing. Allele origin: germline.
Comment: The Hb Bridlington variant (HBA1: c.98T>C; p.Met33Thr, also known as Met32Thr when numbered from the mature protein, rs281864566, HbVar ID: 3015) is reported in a family where heterozygosity is consistent with mild anemia and compound heterozygosity with more severe anemia (Hill 2015). This variant is only observed on two alleles in the Genome Aggregation Database (v2.1.1), indicating it is not a common polymorphism, but is considered a low confidence variant in the database. Computational analyses are uncertain whether this variant is neutral or deleterious (REVEL: 0.639). It is predicted that Hb Bridlington may be mildly unstable due its location within the hemoglobin tetramer and the presentation of severe hemolytic anemia when found in trans with Hb Taybe which, in the heterozygous state, presents with a normal clinical phenotype (Henderson 2016). Due to limited information, the clinical significance of Hb Bridlington is uncertain at this time. References: Link to HbVar database: Henderson SJ et al. Ten Years of Routine a- and B-Globin Gene Sequencing in UK Hemoglobinopathy Referrals Reveals 60 Novel Mutations. Hemoglobin. 2016;40(2):75-84. PMID: 26635043. Hill QA et al. A combination of two novel alpha globin variants Hb Bridlington (HBA1) and Hb Taybe (HBA2) resulting in severe hemolysis, pulmonary hypertension, and death. Hematology. 2015 Jan;20(1):50-2. PMID: 24716903.

Quest Diagnostics Nichols Institute San Juan Capistrano
Classification: Uncertain significance. Last evaluated: 2024-07-02. Review status: criteria provided, single submitter. Criteria: Quest Diagnostics criteria. Collection method: clinical testing. Allele origin: unknown.
Comment: The HBA1 c.98T>C (p.Met33Thr) variant has been reported in the published literature in trans with Hb Taybe in an individual with severe hemolytic anemia (PMID: 24716903 (2015), 26635043 (2016)) as well as in a heterozygous state in an individual with mild anemia and slight reticulocytosis (PMID: 24716903 (2015)). This variant appears to be associated with the alpha(+) thalassemia and is mildly unstable (ITHANET). The frequency of this variant in the general population, 0.000012 (2/160258 chromosomes (Genome Aggregation Database)), is uninformative in the assessment of its pathogenicity. Analysis of this variant using bioinformatics tools for the prediction of the effect of amino acid changes on protein structure and function yielded conflicting predictions that this variant is deleterious or benign. Based on the available information, we are unable to determine the clinical significance of this variant.

Natera, Inc.
Classification: Uncertain significance for Alpha thalassemia. Last evaluated: 2025-05-19. Review status: no assertion criteria provided. Collection method: clinical testing. Allele origin: germline. Not counted in ClinVar's aggregate classification.

Literature cited by the submitters: PubMed 26635043 (cited by Quest Diagnostics Nichols Institute San Juan Capistrano); PubMed 24716903 (cited by Quest Diagnostics Nichols Institute San Juan Capistrano).

NM_000558.5(HBA1):c.98T>C (p.Met33Thr)

Genes: HBA1 (hemoglobin subunit alpha 1; plus strand), LOC106804613 (hemoglobin subunit alpha 1 recombination region; plus strand). Cytogenetic location: 16p13.3.
Variant type: single nucleotide variant.
Coding change: c.98T>C on transcript NM_000558.5 (MANE Select); coding-DNA position 98, T replaced by C.
Protein change: p.Met33Thr; replaces methionine 33 with threonine.
Molecular consequence: missense variant.
Genome position (GRCh38, 1-based): chr16:176,931, T>C. VCF-style: chr16-176931-T-C. GRCh37 (hg19) VCF-style: chr16-226930-T-C.
Other names: c.98T>C (NM_000558.4); short protein forms M33T.
Identifiers: ClinVar variation 3572196 (VCV003572196.3).